The following is an entry in ClinVar:

GRCh38/hg38 22q11.21(chr22:18902758-20340590)x1

Genes: ARVCF (ARVCF delta catenin family member; minus strand), C22orf39 (chromosome 22 open reading frame 39; minus strand), CCDC188 (coiled-coil domain containing 188; minus strand), CDC45 (cell division cycle 45; plus strand), CLDN5 (claudin 5; minus strand) and 105 more. Cytogenetic location: 22q11.21.
Variant type: copy number loss.
Change: copy number 1 (one copy instead of two) of chr22:18,902,758-20,340,590 (1.44 Mb, GRCh38 coordinates, 1-based), cytogenetic band 22q11.21.
Identifiers: ClinVar variation 57571 (VCV000057571.2).

ClinVar aggregate classification (germline): Pathogenic (1 of 4 stars; one submission).

Submission:

ISCA Site 6
Classification: Pathogenic. Last evaluated: 2011-08-12. Review status: criteria provided, single submitter. Criteria: Kaminsky et al. (Genet Med. 2011). Collection method: clinical testing. Allele origin: unknown. Affected: yes. Observed: 1 variant allele.
Comment: Copy number variation identified through the course of routine clinical cytogenomic testing in postnatal populations. Clinical assertions have been curated as described in Kaminsky et al. 2011.